The following is an entry in ClinVar:

ClinVar aggregate classification (germline): Uncertain significance (1 of 4 stars; one submission).

Submission:

Ambry Genetics
Classification: Uncertain significance. Last evaluated: 2024-03-21. Review status: criteria provided, single submitter. Criteria: Ambry Variant Classification Scheme 2023. Collection method: clinical testing. Allele origin: germline.
Comment: The p.N622S variant (also known as c.1865A>G), located in coding exon 14 of the RECQL gene, results from an A to G substitution at nucleotide position 1865. The asparagine at codon 622 is replaced by serine, an amino acid with highly similar properties. This amino acid position is conserved. In addition, this alteration is predicted to be tolerated by in silico analysis. Based on the available evidence, the clinical significance of this alteration remains unclear.

NM_002907.4(RECQL):c.1865A>G (p.Asn622Ser)

Genes: PYROXD1 (pyridine nucleotide-disulphide oxidoreductase domain 1; plus strand), RECQL (RecQ like helicase; minus strand). Cytogenetic location: 12p12.1.
Variant type: single nucleotide variant.
Coding change: c.1865A>G on transcript NM_002907.4 (MANE Select); coding-DNA position 1865, A replaced by G.
Protein change: p.Asn622Ser; replaces asparagine 622 with serine.
Molecular consequence: missense variant. On other transcripts: 3 prime UTR variant (3).
Genome position (GRCh38, 1-based): chr12:21,470,279, T>C on the plus strand (A>G on the coding strand, the complement: RECQL is on the minus strand). VCF-style: chr12-21470279-T-C. GRCh37 (hg19) VCF-style: chr12-21623213-T-C.
Other names: c.1865A>G, p.Asn622Ser (NM_032941.3); c.*1525T>C (NM_001350912.2, NM_001350913.2, NM_024854.5); short protein forms N622S.
Identifiers: ClinVar variation 3313492 (VCV003313492.1).